The following is an entry in ClinVar:

ClinVar aggregate classification (germline): Conflicting classifications of pathogenicity. Review status: criteria provided, conflicting classifications (1 of 4 stars). 2 submissions from 2 submitters: Uncertain significance (1); Likely benign (1). Last evaluated 2022-03-15.

Conditions:
Pyridoxine-dependent epilepsy (EPEO4). Also called: Pyridoxine-Dependent Seizures; PYRIDOXINE DEPENDENCY WITH SEIZURES; EPILEPSY, EARLY-ONSET, 4, VITAMIN B6-DEPENDENT; Pyridoxine-Dependent Epilepsy - ALDH7A1. Identifiers: Orphanet 3006, MedGen C1849508, MONDO:0009945, OMIM 266100. Disease mechanism: loss of function.

Allele frequency attached by ClinVar (database versions not stated): gnomAD exomes 0.00001 and below 0.00001; gnomAD 0.00001; TOPMed 0.00001; ExAC 0.00001.
gnomAD v4.1: 3 of 1,613,674 alleles (0.00019%); highest among the groups gnomAD compares: African/African-American, 0.004%; no homozygotes.

Submissions (2):

Labcorp Genetics (formerly Invitae), Labcorp
Classification: Uncertain significance for Pyridoxine-dependent epilepsy. Last evaluated: 2022-03-15. Review status: criteria provided, single submitter. Criteria: Invitae Variant Classification Sherloc (09022015). Collection method: clinical testing. Allele origin: germline.
Comment: This sequence change falls in intron 7 of the ALDH7A1 gene. It does not directly change the encoded amino acid sequence of the ALDH7A1 protein. It affects a nucleotide within the consensus splice site. This variant is present in population databases (rs749516893, gnomAD 0.01%). This variant has not been reported in the literature in individuals affected with ALDH7A1-related conditions. ClinVar contains an entry for this variant (Variation ID: 511910). Variants that disrupt the consensus splice site are a relatively common cause of aberrant splicing (PMID: 17576681, 9536098). Algorithms developed to predict the effect of sequence changes on RNA splicing suggest that this variant is not likely to affect RNA splicing. In summary, the available evidence is currently insufficient to determine the role of this variant in disease. Therefore, it has been classified as a Variant of Uncertain Significance.

GeneDx
Classification: Likely benign. Last evaluated: 2017-09-06. Review status: criteria provided, single submitter. Criteria: GeneDx Variant Classification (06012015). Collection method: clinical testing. Allele origin: germline. Affected: yes.
Comment: This variant is considered likely benign or benign based on one or more of the following criteria: it is a conservative change, it occurs at a poorly conserved position in the protein, it is predicted to be benign by multiple in silico algorithms, and/or has population frequency not consistent with disease.

Literature cited by the submitters: PubMed 17576681 (cited by Labcorp Genetics (formerly Invitae), Labcorp); PubMed 9536098 (cited by Labcorp Genetics (formerly Invitae), Labcorp).

NM_001182.5(ALDH7A1):c.696-3T>C

Gene: ALDH7A1 (aldehyde dehydrogenase 7 family member A1; minus strand). Cytogenetic location: 5q23.2.
Variant type: single nucleotide variant.
Coding change: c.696-3T>C on transcript NM_001182.5 (MANE Select); 3 bases into the intron before coding-DNA position 696, T replaced by C.
Molecular consequence: intron variant.
Genome position (GRCh38, 1-based): chr5:126,570,862, A>G on the plus strand (T>C on the coding strand, the complement: ALDH7A1 is on the minus strand). VCF-style: chr5-126570862-A-G. GRCh37 (hg19) VCF-style: chr5-125906554-A-G.
Other names: c.696-3T>C (NM_001202404.2); c.612-3T>C (NM_001201377.2).
Identifiers: ClinVar variation 511910 (VCV000511910.4), dbSNP rs749516893, ClinGen allele CA3389675.